The following is an entry in ClinVar:

NM_005845.5(ABCC4):c.1051G>A (p.Val351Met)

Gene: ABCC4 (ATP binding cassette subfamily C member 4 (PEL blood group); minus strand). Cytogenetic location: 13q32.1.
Variant type: single nucleotide variant.
Coding change: c.1051G>A on transcript NM_005845.5 (MANE Select); coding-DNA position 1051, G replaced by A.
Protein change: p.Val351Met; replaces valine 351 with methionine.
Molecular consequence: missense variant.
Genome position (GRCh38, 1-based): chr13:95,206,642, C>T on the plus strand (G>A on the coding strand, the complement: ABCC4 is on the minus strand). VCF-style: chr13-95206642-C-T. GRCh37 (hg19) VCF-style: chr13-95858896-C-T.
Other names: c.1051G>A, p.Val351Met (NM_001105515.3, NM_001301829.2); c.826G>A, p.Val276Met (NM_001301830.2); short protein forms V276M, V351M.
Identifiers: ClinVar variation 4859531 (VCV004859531.1).

ClinVar aggregate classification (germline): Uncertain significance (1 of 4 stars; one submission).

gnomAD v4.1: 22 of 1,614,152 alleles (0.0014%); highest among the groups gnomAD compares: South Asian, 0.012%; no homozygotes.

Submission:

Ambry Genetics
Classification: Uncertain significance. Last evaluated: 2026-05-05. Review status: criteria provided, single submitter. Criteria: Ambry Variant Classification Scheme 2023. Collection method: clinical testing. Allele origin: germline.
Comment: The c.1051G>A (p.V351M) alteration is located in exon 8 (coding exon 8) of the ABCC4 gene. This alteration results from a G to A substitution at nucleotide position 1051, causing the valine (V) at amino acid position 351 to be replaced by a methionine (M). Based on data from gnomAD, the A allele has an overall frequency of 0.002% (5/251366) total alleles studied. The highest observed frequency was 0.006% (1/16256) of African alleles. Based on insufficient or conflicting evidence, the clinical significance of this alteration remains unclear.